The following is an entry in ClinVar:

ClinVar aggregate classification (germline): Pathogenic/Likely pathogenic. Review status: criteria provided, multiple submitters, no conflicts (2 of 4 stars). 2 submissions from 2 submitters: Pathogenic (1); Likely pathogenic (1). Last evaluated 2025-05-14.

Conditions:
Hypertrophic cardiomyopathy. Also called: HYPERTROPHIC MYOCARDIOPATHY. Identifiers: Orphanet 217569, MedGen C0007194, MeSH D002312, MONDO:0005045, HP:0001639.

Allele frequency attached by ClinVar (database versions not stated): gnomAD exomes below 0.00001 and 0.00001; TOPMed below 0.00001; ExAC 0.00002.
gnomAD v4.1: 2 of 1,614,070 alleles (0.00012%); highest among the groups gnomAD compares: Non-Finnish European, 0.00017%; no homozygotes.

Submissions (2):

Clinical Genetics Laboratory, Skane University Hospital Lund
Classification: Likely pathogenic for Hypertrophic cardiomyopathy. Last evaluated: 2025-05-14. Review status: criteria provided, single submitter. Criteria: ACMG Guidelines, 2015. Collection method: clinical testing. Allele origin: germline. Affected: yes.
Comment: ACMG-criteria applied: PVS1, PM2. Truncating heterozygous variants in ALPK3 has been associated with autosomal dominant hypertrophic cardiomyopathy (PMID: 34263907, 33191771).

Labcorp Genetics (formerly Invitae), Labcorp
Classification: Pathogenic. Last evaluated: 2024-10-30. Review status: criteria provided, single submitter. Criteria: Invitae Variant Classification Sherloc (09022015). Collection method: clinical testing. Allele origin: germline.
Comment: This sequence change creates a premature translational stop signal (p.Glu1682*) in the ALPK3 gene. It is expected to result in an absent or disrupted protein product. Loss-of-function variants in ALPK3 are known to be pathogenic (PMID: 21441111, 26846950, 27106955, 34263907). This variant is present in population databases (rs770334508, gnomAD 0.002%). This variant has not been reported in the literature in individuals affected with ALPK3-related conditions. ClinVar contains an entry for this variant (Variation ID: 1417322). For these reasons, this variant has been classified as Pathogenic.

Literature cited by the submitters: PubMed 21441111 (cited by Labcorp Genetics (formerly Invitae), Labcorp); PubMed 26846950 (cited by Labcorp Genetics (formerly Invitae), Labcorp); PubMed 27106955 (cited by Labcorp Genetics (formerly Invitae), Labcorp); PubMed 34263907 (cited by Labcorp Genetics (formerly Invitae), Labcorp).

NM_020778.5(ALPK3):c.4438G>T (p.Glu1480Ter)

Gene: ALPK3 (alpha kinase 3; plus strand). Cytogenetic location: 15q25.3.
Variant type: single nucleotide variant.
Coding change: c.4438G>T on transcript NM_020778.5 (MANE Select); coding-DNA position 4438, G replaced by T.
Protein change: p.Glu1480Ter; replaces glutamic acid 1480 with a stop codon.
Molecular consequence: nonsense.
Genome position (GRCh38, 1-based): chr15:84,863,579, G>T. VCF-style: chr15-84863579-G-T. GRCh37 (hg19) VCF-style: chr15-85406810-G-T.
Other names: short protein forms E1480*.
Identifiers: ClinVar variation 1417322 (VCV001417322.9), dbSNP rs770334508, ClinGen allele CA7709970.